The following is an entry in ClinVar:

ClinVar aggregate classification (germline): Pathogenic/Likely pathogenic. Review status: criteria provided, multiple submitters, no conflicts (2 of 4 stars). 2 submissions from 2 submitters: Pathogenic (1); Likely pathogenic (1). Last evaluated 2023-07-07.

Conditions:
Hereditary diffuse gastric adenocarcinoma (HDGC). Also called: DIFFUSE GASTRIC AND LOBULAR BREAST CANCER SYNDROME. Identifiers: Orphanet 26106, MedGen C1708349, MONDO:0007648, OMIM 137215.

Submissions (2):

Myriad Genetics, Inc.
Classification: Pathogenic for Hereditary diffuse gastric adenocarcinoma. Last evaluated: 2023-07-07. Review status: criteria provided, single submitter. Criteria: Myriad Autosomal Dominant, Autosomal Recessive and X-Linked Classification Criteria (2023). Collection method: clinical testing. Allele origin: unknown.
Comment: This variant is considered pathogenic. This variant creates a frameshift predicted to result in premature protein truncation.

Quest Diagnostics Nichols Institute San Juan Capistrano
Classification: Likely pathogenic. Last evaluated: 2020-05-13. Review status: criteria provided, single submitter. Criteria: Quest Diagnostics criteria. Collection method: clinical testing. Allele origin: unknown.
Comment: The variant results in a shift of the reading frame, and is therefore predicted to result in the loss of a functional protein. Not found in the total gnomAD dataset, and the data is high quality.

NM_004360.5(CDH1):c.1369del (p.Thr457fs)

Gene: CDH1 (cadherin 1; plus strand). Cytogenetic location: 16q22.1.
Variant type: Deletion.
Coding change: c.1369del on transcript NM_004360.5 (MANE Select); coding-DNA position 1369, one base deleted (A; older notation c.1369delA).
Protein change: p.Thr457fs; shifts the reading frame from threonine 457.
Molecular consequence: frameshift variant. On other transcripts: 5 prime UTR variant (2).
Genome position (GRCh38, 1-based): chr16:68,815,563, A deleted. VCF-style (leftmost placement, unchanged base first): chr16-68815562-GA-G. GRCh37 (hg19) VCF-style: chr16-68849465-GA-G.
Other names: c.1186del, p.Thr396fs (NM_001317184.2); c.-180del (NM_001317185.2); c.-451del (NM_001317186.2); short protein forms T396fs, T457fs.
Identifiers: ClinVar variation 993057 (VCV000993057.2), dbSNP rs1960959718, ClinGen allele CA1139664759.